The following is an entry in ClinVar:

NM_001029883.3(PCARE):c.747G>A (p.Glu249=)

Gene: PCARE (photoreceptor cilium actin regulator; minus strand). Cytogenetic location: 2p23.2.
Variant type: single nucleotide variant.
Coding change: c.747G>A on transcript NM_001029883.3 (MANE Select); coding-DNA position 747, G replaced by A.
Protein change: p.Glu249=; no amino-acid change (glutamic acid 249 retained).
Molecular consequence: synonymous variant.
Genome position (GRCh38, 1-based): chr2:29,073,515, C>T on the plus strand (G>A on the coding strand, the complement: PCARE is on the minus strand). VCF-style: chr2-29073515-C-T. GRCh37 (hg19) VCF-style: chr2-29296381-C-T.
Other names: c.747G>A (NM_001029883.2).
Identifiers: ClinVar variation 1093080 (VCV001093080.12), dbSNP rs116729795, ClinGen allele CA1592583.

ClinVar aggregate classification (germline): Likely benign. Review status: criteria provided, multiple submitters, no conflicts (2 of 4 stars). 3 submissions from 3 submitters: Likely benign (2). 1 of the submissions does not count toward it. Last evaluated 2025-11-09.

Conditions:
PCARE-related disorder. Also called: PCARE-related condition.

Allele frequency attached by ClinVar (database versions not stated): gnomAD exomes 0.00003 and 0.00012; ExAC 0.00008; 1000 Genomes Project 30x 0.00016; ESP Exome Variant Server 0.00016; 1000 Genomes Project 0.00020; gnomAD 0.00044 and 0.00048; TOPMed 0.00045.
gnomAD v4.1: 114 of 1,614,208 alleles (0.0071%); highest among the groups gnomAD compares: African/African-American, 0.14%; no homozygotes.

Submissions (3):

Labcorp Genetics (formerly Invitae), Labcorp
Classification: Likely benign. Last evaluated: 2025-11-09. Review status: criteria provided, single submitter. Criteria: Invitae Variant Classification Sherloc (09022015). Collection method: clinical testing. Allele origin: germline.

Blueprint Genetics
Classification: Likely benign. Last evaluated: 2023-09-12. Review status: criteria provided, single submitter. Criteria: ACMG Guidelines, 2015. Collection method: clinical testing. Allele origin: germline.

PreventionGenetics, part of Exact Sciences
Classification: Likely benign for PCARE-related condition. Last evaluated: 2019-08-02. Review status: no assertion criteria provided. Collection method: clinical testing. Allele origin: germline. Not counted in ClinVar's aggregate classification.
Comment: This variant is classified as likely benign based on ACMG/AMP sequence variant interpretation guidelines (Richards et al. 2015 PMID: 25741868, with internal and published modifications).